The following is an entry in ClinVar:

NM_006767.4(LZTR1):c.712G>A (p.Asp238Asn)

Gene: LZTR1 (leucine zipper like post translational regulator 1; plus strand). Cytogenetic location: 22q11.21.
Variant type: single nucleotide variant.
Coding change: c.712G>A on transcript NM_006767.4 (MANE Select); coding-DNA position 712, G replaced by A.
Protein change: p.Asp238Asn; replaces aspartic acid 238 with asparagine.
Molecular consequence: missense variant.
Genome position (GRCh38, 1-based): chr22:20,990,446, G>A. VCF-style: chr22-20990446-G-A. GRCh37 (hg19) VCF-style: chr22-21344735-G-A.
Other names: short protein forms D238N.
Identifiers: ClinVar variation 3238328 (VCV003238328.1), dbSNP rs750904684.
Genomic context (GRCh38, chr22:20,990,446, plus strand): 5'-GTGGCCCAGAGTGGCGAGATCCCCCCATCTTGCTGCAACTTCCCCGTGGCTGTGTGCCGG[G>A]ACAAGATGTTTGTATTCTCTGGGCAAAGCGGAGCCAAAATAACCAACAACCTCTTCCAGT-3'
Protein context (NP_006758.2, residues 228-248): CCNFPVAVCR[Asp238Asn]KMFVFSGQSG

ClinVar aggregate classification (germline): Uncertain significance (1 of 4 stars; one submission).

Conditions:
Hereditary cancer-predisposing syndrome. Also called: Neoplastic Syndromes, Hereditary; Tumor predisposition; Hereditary neoplastic syndrome; Hereditary Cancer Syndrome. Identifiers: Orphanet 140162, MedGen C0027672, MeSH D009386, MONDO:0015356.
Cardiovascular phenotype. Identifiers: MedGen CN230736.

Submission:

Ambry Genetics
Classification: Uncertain significance for Cardiovascular phenotype; Hereditary cancer-predisposing syndrome. Last evaluated: 2023-08-13. Review status: criteria provided, single submitter. Criteria: Ambry Variant Classification Scheme 2023. Collection method: clinical testing. Allele origin: germline.
Comment: The p.D238N variant (also known as c.712G>A), located in coding exon 8 of the LZTR1 gene, results from a G to A substitution at nucleotide position 712. The aspartic acid at codon 238 is replaced by asparagine, an amino acid with highly similar properties. This amino acid position is conserved. In addition, this alteration is predicted to be tolerated by in silico analysis. Since supporting evidence is limited at this time, the clinical significance of this alteration remains unclear.